The following is an entry in ClinVar:

NM_003743.5(NCOA1):c.2617T>C (p.Leu873=)

Gene: NCOA1 (nuclear receptor coactivator 1; plus strand). Cytogenetic location: 2p23.3.
Variant type: single nucleotide variant.
Coding change: c.2617T>C on transcript NM_003743.5 (MANE Select); coding-DNA position 2617, T replaced by C.
Protein change: p.Leu873=; no amino-acid change (leucine 873 retained).
Molecular consequence: synonymous variant.
Genome position (GRCh38, 1-based): chr2:24,726,606, T>C. VCF-style: chr2-24726606-T-C. GRCh37 (hg19) VCF-style: chr2-24949475-T-C.
Other names: c.2617T>C, p.Leu873= (NM_001362950.1, NM_001362952.1, NM_001362954.1 and 3 more transcripts).
Identifiers: ClinVar variation 3041469 (VCV003041469.2), dbSNP rs141288611, ClinGen allele CA1552453.

ClinVar aggregate classification (germline): Likely benign (0 of 4 stars; one submission).

Conditions:
NCOA1-related disorder. Also called: NCOA1-related condition.

Allele frequency attached by ClinVar (database versions not stated): TOPMed 0.00004; ESP Exome Variant Server 0.00008; gnomAD 0.00012; 1000 Genomes Project 0.00040; 1000 Genomes Project 30x 0.00047; ExAC 0.00054.
gnomAD v4.1: 360 of 1,608,712 alleles (0.022%); highest among the groups gnomAD compares: South Asian, 0.31%; 6 homozygotes.

Submission:

PreventionGenetics, part of Exact Sciences
Classification: Likely benign for NCOA1-related condition. Last evaluated: 2020-06-18. Review status: no assertion criteria provided. Collection method: clinical testing. Allele origin: germline.
Comment: This variant is classified as likely benign based on ACMG/AMP sequence variant interpretation guidelines (Richards et al. 2015 PMID: 25741868, with internal and published modifications).